The following is an entry in ClinVar:

ClinVar aggregate classification (germline): Uncertain significance (1 of 4 stars; one submission).

Conditions:
Hereditary cancer-predisposing syndrome. Also called: Tumor predisposition; Hereditary neoplastic syndrome; Hereditary Cancer Syndrome; Neoplastic Syndromes, Hereditary. Identifiers: Orphanet 140162, MedGen C0027672, MeSH D009386, MONDO:0015356.

Submission:

Ambry Genetics
Classification: Uncertain significance for Hereditary cancer-predisposing syndrome. Last evaluated: 2025-06-13. Review status: criteria provided, single submitter. Criteria: Ambry Variant Classification Scheme 2023. Collection method: clinical testing. Allele origin: germline.
Comment: The p.S913R variant (also known as c.2739C>A), located in coding exon 17 of the RAD50 gene, results from a C to A substitution at nucleotide position 2739. The serine at codon 913 is replaced by arginine, an amino acid with dissimilar properties. This amino acid position is conserved. In addition, this alteration is predicted to be tolerated by in silico analysis. Based on the available evidence, the clinical significance of this variant remains unclear.

NM_005732.4(RAD50):c.2739C>A (p.Ser913Arg)

Gene: RAD50 (RAD50 double strand break repair protein; plus strand). Cytogenetic location: 5q31.1.
Variant type: single nucleotide variant.
Coding change: c.2739C>A on transcript NM_005732.4 (MANE Select); coding-DNA position 2739, C replaced by A.
Protein change: p.Ser913Arg; replaces serine 913 with arginine.
Molecular consequence: missense variant.
Genome position (GRCh38, 1-based): chr5:132,608,635, C>A. VCF-style: chr5-132608635-C-A. GRCh37 (hg19) VCF-style: chr5-131944327-C-A.
Other names: short protein forms S913R.
Identifiers: ClinVar variation 3942214 (VCV003942214.1).
Genomic context (GRCh38, chr5:132,608,635, plus strand): 5'-TGGAATATTATATAATACTTTATCTTTTTTATATTTTTAGGATGCTAAAGAGCAGGTAAG[C>A]CCTTTGGAAACAACATTGGAAAAGTTCCAGCAAGAAAAAGAAGAATTAATCAACAAAAAA-3'
Protein context (NP_005723.2, residues 903-923): REIKDAKEQV[Ser913Arg]PLETTLEKFQ